The following is an entry in ClinVar:

NM_000718.4(CACNA1B):c.5308G>A (p.Val1770Ile)

Gene: CACNA1B (calcium voltage-gated channel subunit alpha1 B; plus strand). Cytogenetic location: 9q34.3.
Variant type: single nucleotide variant.
Coding change: c.5308G>A on transcript NM_000718.4 (MANE Select); coding-DNA position 5308, G replaced by A.
Protein change: p.Val1770Ile; replaces valine 1770 with isoleucine.
Molecular consequence: missense variant.
Genome position (GRCh38, 1-based): chr9:138,102,796, G>A. VCF-style: chr9-138102796-G-A. GRCh37 (hg19) VCF-style: chr9-140997248-G-A.
Other names: c.5308G>A, p.Val1770Ile (NM_001243812.2); short protein forms V1770I.
Identifiers: ClinVar variation 3902928 (VCV003902928.1).

ClinVar aggregate classification (germline): Uncertain significance (1 of 4 stars; one submission).

Submission:

GeneDx
Classification: Uncertain significance. Last evaluated: 2024-12-13. Review status: criteria provided, single submitter. Criteria: GeneDx Variant Classification Process June 2021. Collection method: clinical testing. Allele origin: germline. Affected: yes.
Comment: Not observed at significant frequency in large population cohorts (gnomAD); In silico analysis indicates that this missense variant does not alter protein structure/function; Has not been previously published as pathogenic or benign to our knowledge